The following is an entry in ClinVar:

NM_007294.4(BRCA1):c.5407-11T>C

Gene: BRCA1 (BRCA1 DNA repair associated; minus strand). Cytogenetic location: 17q21.31.
Variant type: single nucleotide variant.
Coding change: c.5407-11T>C on transcript NM_007294.4 (MANE Select); 11 bases into the intron before coding-DNA position 5407, T replaced by C.
Molecular consequence: intron variant.
Genome position (GRCh38, 1-based): chr17:43,047,714, A>G on the plus strand (T>C on the coding strand, the complement: BRCA1 is on the minus strand). VCF-style: chr17-43047714-A-G. GRCh37 (hg19) VCF-style: chr17-41199731-A-G.
Other names: c.1954-11T>C (NM_001408458.1, NM_001408461.1, NM_001408464.1 and 7 more transcripts); c.4516-11T>C (NM_001407967.1); c.5026-11T>C (NM_001407959.1); c.5140-11T>C (NM_001407931.1, NM_001407932.1, NM_001407928.1 and 4 more transcripts); c.5263-11T>C (NM_001407747.1, NM_001407745.1, NM_001407737.1 and 18 more transcripts); c.5023-11T>C (NM_001407962.1, NM_001407960.1); c.1594-11T>C (NM_001408512.1); c.1717-11T>C (NM_001408510.1); and 83 more.
Identifiers: ClinVar variation 868070 (VCV000868070.3), dbSNP rs1362166647, ClinGen allele CA772165661.

Conditions:
Breast-ovarian cancer, familial, susceptibility to, 1 (BROVCA1). Also called: BRCA1 Hereditary Breast and Ovarian Cancer; OVARIAN CANCER, SUSCEPTIBILITY TO. Identifiers: Orphanet 145, MedGen C2676676, MONDO:0011450, OMIM 604370. Disease mechanism: loss of function.

Allele frequency attached by ClinVar (database versions not stated): TOPMed 0.00001.

Submission:

Brotman Baty Institute, University of Washington
No classification provided (evidence only). Condition: Breast-ovarian cancer, familial 1. Review status: no classification provided. Collection method: in vitro. Allele origin: not applicable. Functional consequence: functionally_normal.
ClinVar note: "not provided" was previously submitted as the classification for the variant. However, the classification appeared to be based only on an observation of functional data so it was converted to no classification on 2025-07-30.